The following is an entry in ClinVar:

ClinVar aggregate classification (germline): Likely benign. Review status: criteria provided, multiple submitters, no conflicts (2 of 4 stars). 9 submissions from 9 submitters: Likely benign (6). 3 of the submissions do not count toward it. Last evaluated 2026-07-01.

Conditions:
ARID1B-Related Disorder. Identifiers: MedGen CN381337.
Inborn genetic diseases. Identifiers: MedGen C0950123, MeSH D030342.

Submissions (9):

CeGaT Center for Human Genetics Tuebingen
Classification: Likely benign. Last evaluated: 2026-07-01. Review status: criteria provided, single submitter. Criteria: CeGaT Center For Human Genetics Tuebingen Variant Classification Criteria Version 2. Collection method: clinical testing. Allele origin: germline. Affected: yes. Observed: 10 variant alleles.
Comment: ARID1B: BS1

Labcorp Genetics (formerly Invitae), Labcorp
Classification: Likely benign. Last evaluated: 2025-12-26. Review status: criteria provided, single submitter. Criteria: Invitae Variant Classification Sherloc (09022015). Collection method: clinical testing. Allele origin: germline.

Blueprint Genetics
Classification: Likely benign. Last evaluated: 2024-11-21. Review status: criteria provided, single submitter. Criteria: ACMG Guidelines, 2015. Collection method: clinical testing. Allele origin: germline.

GeneDx
Classification: Likely benign. Last evaluated: 2022-07-21. Review status: criteria provided, single submitter. Criteria: GeneDx Variant Classification Process June 2021. Collection method: clinical testing. Allele origin: germline. Affected: yes.
Comment: See Variant Classification Assertion Criteria.

Genetic Services Laboratory, University of Chicago
Classification: Likely benign. Last evaluated: 2019-10-30. Review status: criteria provided, single submitter. Criteria: ACMG Guidelines, 2015. Collection method: clinical testing. Allele origin: germline. Affected: no.

Ambry Genetics
Classification: Likely benign for Inborn genetic diseases. Last evaluated: 2018-11-22. Review status: criteria provided, single submitter. Criteria: Ambry Variant Classification Scheme 2023. Collection method: clinical testing. Allele origin: germline.

PreventionGenetics, part of Exact Sciences
Classification: Likely benign for ARID1B-related condition. Last evaluated: 2022-04-09. Review status: no assertion criteria provided. Collection method: clinical testing. Allele origin: germline. Not counted in ClinVar's aggregate classification.
Comment: This variant is classified as likely benign based on ACMG/AMP sequence variant interpretation guidelines (Richards et al. 2015 PMID: 25741868, with internal and published modifications).

Clinical Genetics DNA and cytogenetics Diagnostics Lab, Erasmus MC, Erasmus Medical Center
Classification: Likely benign. Review status: no assertion criteria provided. Collection method: clinical testing. Allele origin: germline. Affected: yes. Study: VKGL Data-share Consensus. Not counted in ClinVar's aggregate classification.

Diagnostic Laboratory, Department of Genetics, University Medical Center Groningen
Classification: Likely benign. Review status: no assertion criteria provided. Collection method: clinical testing. Allele origin: germline. Affected: yes. Study: VKGL Data-share Consensus. Not counted in ClinVar's aggregate classification.

NM_001374828.1(ARID1B):c.1265_1270dup (p.Ala423_Ala424insValAla)

Gene: ARID1B (AT-rich interaction domain 1B; plus strand). Cytogenetic location: 6q25.3.
Variant type: Duplication.
Coding change: c.1265_1270dup on transcript NM_001374828.1 (MANE Select); coding-DNA positions 1265 to 1270, 6 bases duplicated (TGGCGG; older notation c.1265_1270dupTGGCGG).
Protein change: p.Ala423_Ala424insValAla.
Molecular consequence: inframe insertion.
Genome position (GRCh38, 1-based): chr6:156,778,945-156,778,950, TGGCGG duplicated; duplicating any 6 consecutive bases within chr6:156,778,944-156,778,950 gives the same sequence; the c. name uses the placement nearest the transcript's 3' end. VCF-style (leftmost placement, unchanged base first): chr6-156778943-T-TGTGGCG. GRCh37 (hg19) VCF-style: chr6-157100077-T-TGTGGCG.
Other names: c.1016_1021dup (NM_020732.3); c.1016_1021dupTGGCGG (NM_020732.3); c.1016_1021dup6 (NM_020732.3); c.1265_1270dup, p.Ala423_Ala424insValAla (NM_001371656.1, NM_001374820.1, NM_017519.3).
Identifiers: ClinVar variation 588072 (VCV000588072.84), dbSNP rs759630370, ClinGen allele CA4066725.
Genomic context (GRCh38, chr6:156,778,943, plus strand): 5'-AGGCAGCGGAGGAGGAGGAGGAGGAGGAGGAGCAGGAGCAGGAGGAGCAGGAGCGGGAGC[T>TGTGGCG]GTGGCGGCGGCGGCCGCGGCGGCGGCGGCAGCAGCAGGAGGCGGCGGCGGCGGCGGCTAT-3'